The following is an entry in ClinVar:

NM_021098.3(CACNA1H):c.6445C>G (p.Arg2149Gly)

Gene: CACNA1H (calcium voltage-gated channel subunit alpha1 H; plus strand). Cytogenetic location: 16p13.3.
Variant type: single nucleotide variant.
Coding change: c.6445C>G on transcript NM_021098.3 (MANE Select); coding-DNA position 6445, C replaced by G.
Protein change: p.Arg2149Gly; replaces arginine 2149 with glycine.
Molecular consequence: missense variant.
Genome position (GRCh38, 1-based): chr16:1,220,377, C>G. VCF-style: chr16-1220377-C-G. GRCh37 (hg19) VCF-style: chr16-1270377-C-G.
Other names: c.6427C>G, p.Arg2143Gly (NM_001005407.2); short protein forms R2149G, R2143G.
Identifiers: ClinVar variation 2933557 (VCV002933557.3), dbSNP rs752621913, ClinGen allele CA394149746.

ClinVar aggregate classification (germline): Uncertain significance (1 of 4 stars; one submission).

Conditions:
Hyperaldosteronism, familial, type IV (HALD4). Also called: FH IV; ALDOSTERONISM, PRIMARY, AND HYPERTENSION. Identifiers: Orphanet 642671, MedGen C4310756, MONDO:0014875, OMIM 617027.
Idiopathic generalized epilepsy. Also called: EIG; Generalised epilepsy. Identifiers: MedGen C0270850, MONDO:0005579, OMIM 600669.

gnomAD v4.1: 2 of 1,523,016 alleles (0.00013%); highest among the groups gnomAD compares: African/African-American, 0.0014%; no homozygotes.

Submission:

Labcorp Genetics (formerly Invitae), Labcorp
Classification: Uncertain significance for Idiopathic generalized epilepsy; Hyperaldosteronism, familial, type IV. Last evaluated: 2022-12-24. Review status: criteria provided, single submitter. Criteria: Invitae Variant Classification Sherloc (09022015). Collection method: clinical testing. Allele origin: germline.
Comment: This sequence change replaces arginine, which is basic and polar, with glycine, which is neutral and non-polar, at codon 2149 of the CACNA1H protein (p.Arg2149Gly). This variant is not present in population databases (gnomAD no frequency). This variant has not been reported in the literature in individuals affected with CACNA1H-related conditions. Advanced modeling of protein sequence and biophysical properties (such as structural, functional, and spatial information, amino acid conservation, physicochemical variation, residue mobility, and thermodynamic stability) performed at Invitae indicates that this missense variant is not expected to disrupt CACNA1H protein function. In summary, the available evidence is currently insufficient to determine the role of this variant in disease. Therefore, it has been classified as a Variant of Uncertain Significance.